The following is an entry in ClinVar:

NM_001267550.2(TTN):c.41596G>A (p.Val13866Ile)

Gene: TTN (titin; minus strand). Cytogenetic location: 2q31.2.
Variant type: single nucleotide variant.
Coding change: c.41596G>A on transcript NM_001267550.2 (MANE Select); coding-DNA position 41596, G replaced by A.
Protein change: p.Val13866Ile; replaces valine 13866 with isoleucine.
Molecular consequence: missense variant.
Genome position (GRCh38, 1-based): chr2:178,635,975, C>T on the plus strand (G>A on the coding strand, the complement: TTN is on the minus strand). VCF-style: chr2-178635975-C-T. GRCh37 (hg19) VCF-style: chr2-179500702-C-T.
Other names: c.41596G>A (LRG_391t1); c.33892G>A (NM_133378.4); c.36673G>A, p.Val12225Ile (NM_001256850.1); c.14401G>A, p.Val4801Ile (NM_003319.4); c.14776G>A, p.Val4926Ile (NM_133432.3); c.14977G>A, p.Val4993Ile (NM_133437.4); short protein forms V13866I, V4801I, V12225I, V4926I, V4993I.
Identifiers: ClinVar variation 167786 (VCV000167786.22), dbSNP rs375474669, ClinGen allele CA235123.

ClinVar aggregate classification (germline): Conflicting classifications of pathogenicity. Review status: criteria provided, conflicting classifications (1 of 4 stars). 9 submissions from 9 submitters: Uncertain significance (7); Likely benign (2). Last evaluated 2026-01-07.

Conditions:
Cardiovascular phenotype. Identifiers: MedGen CN230736.
TTN-related disorder. Also called: TTN-related condition; TTN-related disease; TTN-related disorders.
Dilated cardiomyopathy 1G (CMD1G). Identifiers: Orphanet 154, MedGen C1858763, MONDO:0011400, OMIM 604145.
Autosomal recessive limb-girdle muscular dystrophy type 2J (LGMDR10). Also called: Limb-girdle muscular dystrophy, type 2J; MUSCULAR DYSTROPHY, LIMB-GIRDLE, AUTOSOMAL RECESSIVE 10. Identifiers: Orphanet 140922, MedGen C1837342, MONDO:0012127, OMIM 608807.
Cardiomyopathy (CMYO). Also called: Cardiomyopathies. Identifiers: Orphanet 167848, MedGen C0878544, MONDO:0004994, HP:0001638. Inheritance: Various modes of inheritance.

Allele frequency attached by ClinVar (database versions not stated): TOPMed 0.00006; ESP Exome Variant Server 0.00008; gnomAD 0.00008 and 0.00009; ExAC 0.00009; 1000 Genomes Project 30x 0.00016; 1000 Genomes Project 0.00020.
gnomAD v4.1: 125 of 1,595,996 alleles (0.0078%); highest among the groups gnomAD compares: South Asian, 0.021%; no homozygotes.

Submissions (9):

PreventionGenetics, part of Exact Sciences
Classification: Uncertain significance for TTN-related condition. Last evaluated: 2026-01-07. Review status: criteria provided, single submitter. Criteria: ACMG Guidelines, 2015. Collection method: clinical testing. Allele origin: germline.
Comment: The TTN c.41596G>A variant is predicted to result in the amino acid substitution p.Val13866Ile. To our knowledge, this variant has not been reported in the literature. This variant is reported in 0.028% of alleles in individuals of South Asian descent in gnomAD. At this time, the clinical significance of this variant is uncertain due to the absence of conclusive functional and genetic evidence.

Women's Health and Genetics/Laboratory Corporation of America, LabCorp
Classification: Uncertain significance. Last evaluated: 2025-03-08. Review status: criteria provided, single submitter. Criteria: LabCorp Variant Classification Summary - May 2015. Collection method: clinical testing. Allele origin: germline.

Revvity Omics, Revvity
Classification: Uncertain significance. Last evaluated: 2021-02-18. Review status: criteria provided, single submitter. Criteria: ACMG Guidelines, 2015. Collection method: clinical testing. Allele origin: germline.

GeneDx
Classification: Likely benign. Last evaluated: 2020-11-17. Review status: criteria provided, single submitter. Criteria: GeneDx Variant Classification Process June 2021. Collection method: clinical testing. Allele origin: germline. Affected: yes.

Ambry Genetics
Classification: Likely benign for Cardiovascular phenotype. Last evaluated: 2019-12-11. Review status: criteria provided, single submitter. Criteria: Ambry Variant Classification Scheme 2023. Collection method: clinical testing. Allele origin: germline.

CHEO Genetics Diagnostic Laboratory, Children's Hospital of Eastern Ontario
Classification: Uncertain significance for Cardiomyopathy. Last evaluated: 2019-07-08. Review status: criteria provided, single submitter. Criteria: ACMG Guidelines, 2015. Collection method: clinical testing. Allele origin: germline.

Labcorp Genetics (formerly Invitae), Labcorp
Classification: Uncertain significance for Dilated cardiomyopathy 1G; Autosomal recessive limb-girdle muscular dystrophy type 2J. Last evaluated: 2017-09-29. Review status: criteria provided, single submitter. Criteria: Invitae Variant Classification Sherloc (09022015). Collection method: clinical testing. Allele origin: germline.

Eurofins Ntd Llc (ga)
Classification: Uncertain significance. Last evaluated: 2017-08-11. Review status: criteria provided, single submitter. Criteria: EGL Classification Definitions 2015. Collection method: clinical testing. Allele origin: germline. Observed: 2 variant alleles, 2 heterozygotes.

Athena Diagnostics
Classification: Uncertain significance. Last evaluated: 2017-07-12. Review status: criteria provided, single submitter. Criteria: Athena Diagnostics Criteria. Collection method: clinical testing. Allele origin: germline.